The following is an entry in ClinVar:

NM_004211.5(SLC6A5):c.1624+2T>C

Gene: SLC6A5 (solute carrier family 6 member 5; plus strand). Cytogenetic location: 11p15.1.
Variant type: single nucleotide variant.
Coding change: c.1624+2T>C on transcript NM_004211.5 (MANE Select); the canonical splice donor site of the intron after coding-DNA position 1624, T replaced by C.
Molecular consequence: splice donor variant.
Genome position (GRCh38, 1-based): chr11:20,630,817, T>C. VCF-style: chr11-20630817-T-C. GRCh37 (hg19) VCF-style: chr11-20652363-T-C.
Other names: c.922+2T>C (NM_001318369.2).
Identifiers: ClinVar variation 3669128 (VCV003669128.2).

ClinVar aggregate classification (germline): Likely pathogenic (1 of 4 stars; one submission).

Conditions:
Hyperekplexia 3 (HKPX3). Also called: HYPEREKPLEXIA 3, AUTOSOMAL RECESSIVE; HYPEREKPLEXIA 3, AUTOSOMAL DOMINANT. Identifiers: Orphanet 3197, MedGen C3553288, MONDO:0013827, OMIM 614618.

Submission:

Labcorp Genetics (formerly Invitae), Labcorp
Classification: Likely pathogenic for Hyperekplexia 3. Last evaluated: 2024-04-15. Review status: criteria provided, single submitter. Criteria: Invitae Variant Classification Sherloc (09022015). Collection method: clinical testing. Allele origin: germline.
Comment: This sequence change affects a donor splice site in intron 10 of the SLC6A5 gene. It is expected to disrupt RNA splicing. Variants that disrupt the donor or acceptor splice site typically lead to a loss of protein function (PMID: 16199547), and loss-of-function variants in SLC6A5 are known to be pathogenic (PMID: 14622583, 16751771, 22700964). This variant is not present in population databases (gnomAD no frequency). This variant has not been reported in the literature in individuals affected with SLC6A5-related conditions. Algorithms developed to predict the effect of sequence changes on RNA splicing suggest that this variant may disrupt the consensus splice site. In summary, the currently available evidence indicates that the variant is pathogenic, but additional data are needed to prove that conclusively. Therefore, this variant has been classified as Likely Pathogenic.

Literature cited by the submitters: PubMed 16199547; PubMed 14622583; PubMed 16751771; PubMed 22700964.